The following is an entry in ClinVar:

ClinVar aggregate classification (germline): Benign. Review status: criteria provided, multiple submitters, no conflicts (2 of 4 stars). 2 submissions from 2 submitters: Benign (2). Last evaluated 2026-06-01.

gnomAD v4.1: 20,090 of 1,612,414 alleles (1.2%); highest among the groups gnomAD compares: Middle Eastern, 4.2%; 193 homozygotes.

Submissions (2):

CeGaT Center for Human Genetics Tuebingen
Classification: Benign. Last evaluated: 2026-06-01. Review status: criteria provided, single submitter. Criteria: CeGaT Center For Human Genetics Tuebingen Variant Classification Criteria Version 2. Collection method: clinical testing. Allele origin: germline. Affected: yes. Observed: 5 variant alleles.
Comment: TRHR: BP4, BP7, BS1, BS2

Labcorp Genetics (formerly Invitae), Labcorp
Classification: Benign. Last evaluated: 2026-01-22. Review status: criteria provided, single submitter. Criteria: Invitae Variant Classification Sherloc (09022015). Collection method: clinical testing. Allele origin: germline.

NM_003301.7(TRHR):c.1065C>T (p.Ser355=)

Gene: TRHR (thyrotropin releasing hormone receptor; plus strand). Cytogenetic location: 8q23.1.
Variant type: single nucleotide variant.
Coding change: c.1065C>T on transcript NM_003301.7 (MANE Select); coding-DNA position 1065, C replaced by T.
Protein change: p.Ser355=; no amino-acid change (serine 355 retained).
Molecular consequence: synonymous variant.
Genome position (GRCh38, 1-based): chr8:109,119,323, C>T. VCF-style: chr8-109119323-C-T. GRCh37 (hg19) VCF-style: chr8-110131552-C-T.
Identifiers: ClinVar variation 3770472 (VCV003770472.14).
Genomic context (GRCh38, chr8:109,119,323, plus strand): 5'-CAACTGCAAGCAGAAGCCAACAGAGAAACCTGCTAACTACAGTGTGGCCCTAAATTACAG[C>T]GTCATCAAGGAGTCAGACCATTTCAGCACAGAGCTTGATGATATCACTGTCACTGACACT-3'
Protein context (NP_003292.1, residues 345-365): PANYSVALNY[Ser355=]VIKESDHFST